The following is an entry in ClinVar:

NM_022114.4(PRDM16):c.2692-3C>T

Gene: PRDM16 (PR/SET domain 16; plus strand). Cytogenetic location: 1p36.32.
Variant type: single nucleotide variant.
Coding change: c.2692-3C>T on transcript NM_022114.4 (MANE Select); 3 bases into the intron before coding-DNA position 2692, C replaced by T.
Molecular consequence: intron variant.
Genome position (GRCh38, 1-based): chr1:3,417,825, C>T. VCF-style: chr1-3417825-C-T. GRCh37 (hg19) VCF-style: chr1-3334389-C-T.
Other names: c.2692-3C>T (NM_199454.3).
Identifiers: ClinVar variation 2736929 (VCV002736929.3), dbSNP rs1344495643, ClinGen allele CA521015461.

ClinVar aggregate classification (germline): Uncertain significance (1 of 4 stars; one submission).

Conditions:
Left ventricular noncompaction 8 (LVNC8). Identifiers: Orphanet 154, Orphanet 54260, MedGen C3809288, MONDO:0014152, OMIM 615373.

Allele frequency attached by ClinVar (database versions not stated): gnomAD exomes 0.00001.
gnomAD v4.1: 12 of 1,613,498 alleles (0.00074%); highest among the groups gnomAD compares: Non-Finnish European, 0.001%; no homozygotes.

Submission:

Labcorp Genetics (formerly Invitae), Labcorp
Classification: Uncertain significance for Left ventricular noncompaction 8. Last evaluated: 2025-10-26. Review status: criteria provided, single submitter. Criteria: Invitae Variant Classification Sherloc (09022015). Collection method: clinical testing. Allele origin: germline.
Comment: This sequence change falls in intron 10 of the PRDM16 gene. It does not directly change the encoded amino acid sequence of the PRDM16 protein. It affects a nucleotide within the consensus splice site. This variant is present in population databases (no rsID available, gnomAD 0.0009%). This variant has not been reported in the literature in individuals affected with PRDM16-related conditions. ClinVar contains an entry for this variant (Variation ID: 2736929). Variants that disrupt the consensus splice site are a relatively common cause of aberrant splicing (PMID: 17576681, 9536098). Algorithms developed to predict the effect of sequence changes on RNA splicing suggest that this variant is not likely to affect RNA splicing. In summary, the available evidence is currently insufficient to determine the role of this variant in disease. Therefore, it has been classified as a Variant of Uncertain Significance.

Literature cited by the submitters: PubMed 17576681; PubMed 9536098.